The following is an entry in ClinVar:

NM_001374353.1(GLI2):c.1417C>T (p.Leu473=)

Gene: GLI2 (GLI family zinc finger 2; plus strand). Cytogenetic location: 2q14.2.
Variant type: single nucleotide variant.
Coding change: c.1417C>T on transcript NM_001374353.1 (MANE Select); coding-DNA position 1417, C replaced by T.
Protein change: p.Leu473=; no amino-acid change (leucine 473 retained).
Molecular consequence: synonymous variant.
Genome position (GRCh38, 1-based): chr2:120,978,533, C>T. VCF-style: chr2-120978533-C-T. GRCh37 (hg19) VCF-style: chr2-121736109-C-T.
Other names: c.1468C>T, p.Leu490= (NM_001371271.1, NM_005270.5); c.1042C>T, p.Leu348= (NM_001374354.1).
Identifiers: ClinVar variation 4993065 (VCV004993065.1).

ClinVar aggregate classification (germline): Likely benign (1 of 4 stars; one submission).

Conditions:
GLI2-related disorder. Also called: GLI2-related condition; GLI2-related disorders.

gnomAD v4.1: 8 of 1,614,130 alleles (0.0005%); highest among the groups gnomAD compares: South Asian, 0.0088%; no homozygotes.

Submission:

PreventionGenetics, part of Exact Sciences
Classification: Likely benign for GLI2-related condition. Last evaluated: 2026-06-17. Review status: criteria provided, single submitter. Criteria: ACMG Guidelines, 2015. Collection method: clinical testing. Allele origin: germline.
Comment: This variant is classified as likely benign based on ACMG/AMP sequence variant interpretation guidelines (Richards et al. 2015 PMID: 25741868, with internal and published modifications).